The following is an entry in ClinVar:

ClinVar aggregate classification (germline): Uncertain significance. Review status: criteria provided, multiple submitters, no conflicts (2 of 4 stars). 2 submissions from 2 submitters: Uncertain significance (2). Last evaluated 2025-07-07.

Conditions:
Hereditary cancer-predisposing syndrome. Also called: Hereditary neoplastic syndrome; Neoplastic Syndromes, Hereditary; Hereditary Cancer Syndrome; Tumor predisposition. Identifiers: Orphanet 140162, MedGen C0027672, MeSH D009386, MONDO:0015356.
Gastrointestinal stromal tumor. Also called: Gastrointestinal stromal tumor, somatic; Gastrointestinal stroma tumor. Identifiers: Orphanet 44890, MedGen C0238198, MeSH D046152, MONDO:0011719, OMIM 606764, HP:0100723.

Allele frequency attached by ClinVar (database versions not stated): TOPMed 0.00001.

Submissions (2):

Ambry Genetics
Classification: Uncertain significance for Hereditary cancer-predisposing syndrome. Last evaluated: 2025-07-07. Review status: criteria provided, single submitter. Criteria: Ambry Variant Classification Scheme 2023. Collection method: clinical testing. Allele origin: germline.
Comment: The p.D287G variant (also known as c.860A>G), located in coding exon 5 of the PDGFRA gene, results from an A to G substitution at nucleotide position 860. The aspartic acid at codon 287 is replaced by glycine, an amino acid with similar properties. This amino acid position is conserved. In addition, this alteration is predicted to be tolerated by in silico analysis. Since supporting evidence is limited at this time, the clinical significance of this alteration remains unclear.

Labcorp Genetics (formerly Invitae), Labcorp
Classification: Uncertain significance for Gastrointestinal stromal tumor. Last evaluated: 2024-09-16. Review status: criteria provided, single submitter. Criteria: Invitae Variant Classification Sherloc (09022015). Collection method: clinical testing. Allele origin: germline.
Comment: This sequence change replaces aspartic acid, which is acidic and polar, with glycine, which is neutral and non-polar, at codon 287 of the PDGFRA protein (p.Asp287Gly). This variant is not present in population databases (gnomAD no frequency). This variant has not been reported in the literature in individuals affected with PDGFRA-related conditions. ClinVar contains an entry for this variant (Variation ID: 955984). Invitae Evidence Modeling of protein sequence and biophysical properties (such as structural, functional, and spatial information, amino acid conservation, physicochemical variation, residue mobility, and thermodynamic stability) indicates that this missense variant is not expected to disrupt PDGFRA protein function with a negative predictive value of 80%. In summary, the available evidence is currently insufficient to determine the role of this variant in disease. Therefore, it has been classified as a Variant of Uncertain Significance.

NM_006206.6(PDGFRA):c.860A>G (p.Asp287Gly)

Gene: PDGFRA (platelet derived growth factor receptor alpha; plus strand). Cytogenetic location: 4q12.
Variant type: single nucleotide variant.
Coding change: c.860A>G on transcript NM_006206.6 (MANE Select); coding-DNA position 860, A replaced by G.
Protein change: p.Asp287Gly; replaces aspartic acid 287 with glycine.
Molecular consequence: missense variant.
Genome position (GRCh38, 1-based): chr4:54,267,389, A>G. VCF-style: chr4-54267389-A-G. GRCh37 (hg19) VCF-style: chr4-55133556-A-G.
Other names: c.860A>G, p.Asp287Gly (NM_001347827.2, NM_001347829.2); c.935A>G, p.Asp312Gly (NM_001347828.2); c.899A>G, p.Asp300Gly (NM_001347830.2); short protein forms D287G, D300G, D312G.
Identifiers: ClinVar variation 955984 (VCV000955984.13), dbSNP rs1305108075, ClinGen allele CA356891263.